The following is an entry in ClinVar:

ClinVar aggregate classification (germline): Likely benign. Review status: criteria provided, multiple submitters, no conflicts (2 of 4 stars). 3 submissions from 3 submitters: Likely benign (3). Last evaluated 2026-09-15.

Conditions:
ARHGEF18-related disorder. Also called: ARHGEF18-related condition.

Allele frequency attached by ClinVar (database versions not stated): gnomAD exomes 0.00005 and 0.00007; TOPMed 0.00006; ExAC 0.00009; gnomAD 0.00010; 1000 Genomes Project 30x 0.00016; 1000 Genomes Project 0.00020.
gnomAD v4.1: 82 of 1,609,078 alleles (0.0051%); highest among the groups gnomAD compares: Middle Eastern, 0.017%; no homozygotes.

Submissions (3):

PreventionGenetics, part of Exact Sciences
Classification: Likely benign for ARHGEF18-related condition. Last evaluated: 2026-09-15. Review status: criteria provided, single submitter. Criteria: ACMG Guidelines, 2015. Collection method: clinical testing. Allele origin: germline.
Comment: This variant is classified as likely benign based on ACMG/AMP sequence variant interpretation guidelines (Richards et al. 2015 PMID: 25741868, with internal and published modifications).

Labcorp Genetics (formerly Invitae), Labcorp
Classification: Likely benign. Last evaluated: 2025-11-20. Review status: criteria provided, single submitter. Criteria: Invitae Variant Classification Sherloc (09022015). Collection method: clinical testing. Allele origin: germline.

Blueprint Genetics
Classification: Likely benign. Last evaluated: 2024-10-10. Review status: criteria provided, single submitter. Criteria: ACMG Guidelines, 2015. Collection method: clinical testing. Allele origin: germline.

NM_001367823.1(ARHGEF18):c.3942G>A (p.Pro1314=)

Gene: ARHGEF18 (Rho/Rac guanine nucleotide exchange factor 18; plus strand). Cytogenetic location: 19p13.2.
Variant type: single nucleotide variant.
Coding change: c.3942G>A on transcript NM_001367823.1 (MANE Select); coding-DNA position 3942, G replaced by A.
Protein change: p.Pro1314=; no amino-acid change (proline 1314 retained).
Molecular consequence: synonymous variant.
Genome position (GRCh38, 1-based): chr19:7,470,154, G>A. VCF-style: chr19-7470154-G-A. GRCh37 (hg19) VCF-style: chr19-7535040-G-A.
Other names: c.3378G>A (NM_001130955.1); c.3216G>A, p.Pro1072= (NM_001130955.2); c.2904G>A, p.Pro968= (NM_001367824.1, NM_015318.4).
Identifiers: ClinVar variation 1085773 (VCV001085773.11), dbSNP rs578103182, ClinGen allele CA9137320.